The following is an entry in ClinVar:

ClinVar aggregate classification (germline): Conflicting classifications of pathogenicity. Review status: criteria provided, conflicting classifications (1 of 4 stars). 4 submissions from 4 submitters: Pathogenic (1); Likely pathogenic (1); Uncertain significance (2). Last evaluated 2026-02-13.

Conditions:
Very long chain acyl-CoA dehydrogenase deficiency (ACADVLD). Also called: VLCAD Deficiency; Very Long-Chain Acyl-Coenzyme A Dehydrogenase Deficiency. Identifiers: Orphanet 26793, MedGen C3887523, MONDO:0008723, OMIM 201475.

Submissions (4):

Women's Health and Genetics/Laboratory Corporation of America, LabCorp
Classification: Uncertain significance. Last evaluated: 2026-02-13. Review status: criteria provided, single submitter. Criteria: LabCorp Variant Classification Summary - May 2015. Collection method: clinical testing. Allele origin: germline.
Comment: Variant summary: ACADVL c.436G>C (p.Val146Leu) results in a conservative amino acid change in the encoded protein sequence. Algorithms developed to predict the effect of missense changes on protein structure and function are either unavailable or do not agree on the potential impact of this missense change. The variant was absent in 251368 control chromosomes. c.436G>C has been observed in individual(s) affected with Very Long Chain Acyl-CoA Dehydrogenase Deficiency (internal data). To our knowledge, no experimental evidence demonstrating an impact on protein function has been reported. However, a different variant affecting the same codon has been classified as pathogenic (c.437T>G, p.Val146Gly), supporting the critical relevance of codon 146 to ACADVL protein function. ClinVar contains an entry for this variant (Variation ID: 92284). Based on the evidence outlined above, the variant was classified as VUS-possibly pathogenic.

Labcorp Genetics (formerly Invitae), Labcorp
Classification: Pathogenic for Very long chain acyl-CoA dehydrogenase deficiency. Last evaluated: 2025-07-27. Review status: criteria provided, single submitter. Criteria: Invitae Variant Classification Sherloc (09022015). Collection method: clinical testing. Allele origin: germline.
Comment: This sequence change replaces valine, which is neutral and non-polar, with leucine, which is neutral and non-polar, at codon 146 of the ACADVL protein (p.Val146Leu). This variant is not present in population databases (gnomAD no frequency). This missense change has been observed in individual(s) with clinical features of ACADVL-related conditions (internal data). In at least one individual the variant was observed to be de novo. ClinVar contains an entry for this variant (Variation ID: 92284). Invitae Evidence Modeling of protein sequence and biophysical properties (such as structural, functional, and spatial information, amino acid conservation, physicochemical variation, residue mobility, and thermodynamic stability) indicates that this missense variant is not expected to disrupt ACADVL protein function with a negative predictive value of 80%. This variant disrupts the p.Val146 amino acid residue in ACADVL. Other variant(s) that disrupt this residue have been determined to be pathogenic (internal data). This suggests that this residue is clinically significant, and that variants that disrupt this residue are likely to be disease-causing. For these reasons, this variant has been classified as Pathogenic.

CeGaT Center for Human Genetics Tuebingen
Classification: Likely pathogenic. Last evaluated: 2023-12-01. Review status: criteria provided, single submitter. Criteria: CeGaT Center For Human Genetics Tuebingen Variant Classification Criteria Version 2. Collection method: clinical testing. Allele origin: germline. Affected: yes. Observed: 1 variant allele.
Comment: ACADVL: PM2, PP4:Moderate, PM3:Supporting, PM5:Supporting

Eurofins Ntd Llc (ga)
Classification: Uncertain significance. Last evaluated: 2013-03-27. Review status: criteria provided, single submitter. Criteria: EGL Classification Definitions 2015. Collection method: clinical testing. Allele origin: germline. Observed: 1 variant allele, 1 heterozygote.

NM_000018.4(ACADVL):c.436G>C (p.Val146Leu)

Gene: ACADVL (acyl-CoA dehydrogenase very long chain; plus strand). Cytogenetic location: 17p13.1.
Variant type: single nucleotide variant.
Coding change: c.436G>C on transcript NM_000018.4 (MANE Select); coding-DNA position 436, G replaced by C.
Protein change: p.Val146Leu; replaces valine 146 with leucine.
Molecular consequence: missense variant.
Genome position (GRCh38, 1-based): chr17:7,221,017, G>C. VCF-style: chr17-7221017-G-C. GRCh37 (hg19) VCF-style: chr17-7124336-G-C.
Other names: c.370G>C, p.Val124Leu (NM_001033859.3); c.505G>C, p.Val169Leu (NM_001270447.2); c.208G>C, p.Val70Leu (NM_001270448.2); short protein forms V146L, V169L, V124L, V70L.
Identifiers: ClinVar variation 92284 (VCV000092284.34), dbSNP rs398123089, ClinGen allele CA220209.